The following is an entry in ClinVar:

ClinVar aggregate classification (germline): Uncertain significance (1 of 4 stars; one submission).

Submission:

Ambry Genetics
Classification: Uncertain significance. Last evaluated: 2026-01-18. Review status: criteria provided, single submitter. Criteria: Ambry Variant Classification Scheme 2023. Collection method: clinical testing. Allele origin: germline.
Comment: The p.S2004G variant (also known as c.6010A>G), located in coding exon 24 of the WNK2 gene, results from an A to G substitution at nucleotide position 6010. The serine at codon 2004 is replaced by glycine, an amino acid with similar properties. This amino acid position is conserved. In addition, this alteration is predicted to be tolerated by in silico analysis. Based on the available evidence, the clinical significance of this variant remains unclear.

NM_006648.4(WNK2):c.6010A>G (p.Ser2004Gly)

Gene: WNK2 (WNK lysine deficient protein kinase 2; plus strand). Cytogenetic location: 9q22.31.
Variant type: single nucleotide variant.
Coding change: c.6010A>G on transcript NM_006648.4 (MANE Select); coding-DNA position 6010, A replaced by G.
Protein change: p.Ser2004Gly; replaces serine 2004 with glycine.
Molecular consequence: missense variant.
Genome position (GRCh38, 1-based): chr9:93,299,156, A>G. VCF-style: chr9-93299156-A-G. GRCh37 (hg19) VCF-style: chr9-96061438-A-G.
Other names: c.6121A>G, p.Ser2041Gly (NM_001282394.3); short protein forms S2004G, S2041G.
Identifiers: ClinVar variation 4844851 (VCV004844851.1).